The following is an entry in ClinVar:

ClinVar aggregate classification (germline): Uncertain significance (1 of 4 stars; one submission).

Submission:

Labcorp Genetics (formerly Invitae), Labcorp
Classification: Uncertain significance. Last evaluated: 2025-03-24. Review status: criteria provided, single submitter. Criteria: Invitae Variant Classification Sherloc (09022015). Collection method: clinical testing. Allele origin: germline.
Comment: This sequence change replaces histidine, which is basic and polar, with arginine, which is basic and polar, at codon 1071 of the RIMS1 protein (p.His1071Arg). This variant is not present in population databases (gnomAD no frequency). This variant has not been reported in the literature in individuals affected with RIMS1-related conditions. An algorithm developed to predict the effect of missense changes on protein structure and function outputs the following: PolyPhen-2: "Benign". The arginine amino acid residue is found in multiple mammalian species, which suggests that this missense change does not adversely affect protein function. In summary, the available evidence is currently insufficient to determine the role of this variant in disease. Therefore, it has been classified as a Variant of Uncertain Significance.

NM_014989.7(RIMS1):c.3212A>G (p.His1071Arg)

Gene: RIMS1 (regulating synaptic membrane exocytosis 1; plus strand). Cytogenetic location: 6q13.
Variant type: single nucleotide variant.
Coding change: c.3212A>G on transcript NM_014989.7 (MANE Select); coding-DNA position 3212, A replaced by G.
Protein change: p.His1071Arg; replaces histidine 1071 with arginine.
Molecular consequence: missense variant. On other transcripts: intron variant (62).
Genome position (GRCh38, 1-based): chr6:72,265,407, A>G. VCF-style: chr6-72265407-A-G. GRCh37 (hg19) VCF-style: chr6-72975110-A-G.
Other names: c.1631A>G, p.His544Arg (NM_001350436.2); c.1470-553A>G (NM_001350428.2, NM_001350459.2, NM_001350424.2 and 1 more transcripts); c.1467-553A>G (NM_001350437.2, NM_001350430.2, NM_001350421.2 and 1 more transcripts); c.1616+355A>G (NM_001350458.2); c.1539-553A>G (NM_001350433.2, NM_001350446.2, NM_001350442.2 and 8 more transcripts); c.1538+4640A>G (NM_001350431.2); c.1476-553A>G (NM_001350457.2); c.1475+6296A>G (NM_001350460.2, NM_001350426.2, NM_001350429.2 and 1 more transcripts); and 14 more; short protein forms H1071R, H544R.
Identifiers: ClinVar variation 4803349 (VCV004803349.1).